The following is an entry in ClinVar:

ClinVar aggregate classification (germline): Benign/Likely benign. Review status: criteria provided, multiple submitters, no conflicts (2 of 4 stars). 2 submissions from 2 submitters: Benign (1); Likely benign (1). Last evaluated 2026-07-02.

Conditions:
Sessile serrated polyposis cancer syndrome (SSPCS). Identifiers: Orphanet 157798, MedGen C4310714, MONDO:0014919, OMIM 617108.

Submissions (2):

Myriad Genetics, Inc.
Classification: Benign for Sessile serrated polyposis cancer syndrome. Last evaluated: 2026-07-02. Review status: criteria provided, single submitter. Criteria: Myriad Autosomal Dominant, Autosomal Recessive and X-Linked Classification Criteria (2023). Collection method: clinical testing. Allele origin: unknown.
Comment: This variant is considered benign. This variant is a silent/synonymous amino acid change and it is not expected to impact splicing.

Ambry Genetics
Classification: Likely benign. Last evaluated: 2025-09-22. Review status: criteria provided, single submitter. Criteria: Ambry Variant Classification Scheme 2023. Collection method: clinical testing. Allele origin: germline.

NM_017763.6(RNF43):c.2112A>C (p.Pro704=)

Gene: RNF43 (ring finger protein 43; minus strand). Cytogenetic location: 17q22.
Variant type: single nucleotide variant.
Coding change: c.2112A>C on transcript NM_017763.6 (MANE Select); coding-DNA position 2112, A replaced by C.
Protein change: p.Pro704=; no amino-acid change (proline 704 retained).
Molecular consequence: synonymous variant.
Genome position (GRCh38, 1-based): chr17:58,357,664, T>G on the plus strand (A>C on the coding strand, the complement: RNF43 is on the minus strand). VCF-style: chr17-58357664-T-G. GRCh37 (hg19) VCF-style: chr17-56435025-T-G.
Other names: c.2112A>C, p.Pro704= (NM_001305544.3, NM_001438820.1, NM_001438821.1 and 1 more transcripts); c.1731A>C, p.Pro577= (NM_001305545.2, NM_001437987.1).
Identifiers: ClinVar variation 4578949 (VCV004578949.2).